The following is an entry in ClinVar:

ClinVar aggregate classification (germline): Conflicting classifications of pathogenicity. Review status: criteria provided, conflicting classifications (1 of 4 stars). 5 submissions from 5 submitters: Uncertain significance (2); Benign (1); Likely benign (2). Last evaluated 2025-08-13.

Conditions:
Collagen 6-related myopathy. Identifiers: MedGen CN117976, MONDO:0100225.
Bethlem myopathy 1A. Also called: Bethlem myopathy 1; MYOPATHY, BENIGN CONGENITAL, WITH CONTRACTURES; Bethlem Muscular Dystrophy. Identifiers: Orphanet 610, MedGen CN029274, MONDO:0024530, OMIM 158810.

Allele frequency attached by ClinVar (database versions not stated): gnomAD 0.00001 and 0.00002; 1000 Genomes Project 30x 0.00016; 1000 Genomes Project 0.00020; TOPMed 0.00001.
gnomAD v4.1: 54 of 1,614,114 alleles (0.0033%); highest among the groups gnomAD compares: South Asian, 0.034%; no homozygotes.

Submissions (5):

Labcorp Genetics (formerly Invitae), Labcorp
Classification: Benign for Bethlem myopathy 1A. Last evaluated: 2025-08-13. Review status: criteria provided, single submitter. Criteria: Invitae Variant Classification Sherloc (09022015). Collection method: clinical testing. Allele origin: germline.

Mayo Clinic Laboratories, Mayo Clinic
Classification: Uncertain significance. Last evaluated: 2022-09-30. Review status: criteria provided, single submitter. Criteria: ACMG Guidelines, 2015. Collection method: clinical testing. Allele origin: germline. Observed: 1 variant allele.

Genetics and Molecular Pathology, SA Pathology
Classification: Uncertain significance for Bethlem myopathy 1A. Last evaluated: 2021-04-28. Review status: criteria provided, single submitter. Criteria: ACMG Guidelines, 2015. Collection method: clinical testing. Allele origin: germline. Affected: yes.

Illumina Laboratory Services, Illumina
Classification: Likely benign for Collagen VI-related myopathy. Last evaluated: 2018-01-13. Review status: criteria provided, single submitter. Criteria: ICSL Variant Classification Criteria 13 December 2019. Collection method: clinical testing. Allele origin: germline.
Comment: This variant was observed in the ICSL laboratory as part of a predisposition screen in an ostensibly healthy population. It had not been previously curated by ICSL or reported in the Human Gene Mutation Database (HGMD: prior to June 1st, 2018), and was therefore a candidate for classification through an automated scoring system. Utilizing variant allele frequency, disease prevalence and penetrance estimates, and inheritance mode, an automated score was calculated to assess if this variant is too frequent to cause the disease. Based on the score and internal cut-off values, a variant classified as likely benign is not then subjected to further curation. The score for this variant resulted in a classification of likely benign for this disease.

Breakthrough Genomics
Classification: Likely benign. Review status: criteria provided, single submitter. Criteria: ACMG Guidelines, 2015. Collection method: not provided. Allele origin: germline. Inheritance: Autosomal recessive inheritance. Affected: yes.

NM_004369.4(COL6A3):c.2665C>T (p.Arg889Cys)

Gene: COL6A3 (collagen type VI alpha 3 chain; minus strand). Cytogenetic location: 2q37.3.
Variant type: single nucleotide variant.
Coding change: c.2665C>T on transcript NM_004369.4 (MANE Select); coding-DNA position 2665, C replaced by T.
Protein change: p.Arg889Cys; replaces arginine 889 with cysteine.
Molecular consequence: missense variant.
Genome position (GRCh38, 1-based): chr2:237,377,177, G>A on the plus strand (C>T on the coding strand, the complement: COL6A3 is on the minus strand). VCF-style: chr2-237377177-G-A. GRCh37 (hg19) VCF-style: chr2-238285820-G-A.
Other names: p.Arg889Cys; c.1444C>T, p.Arg482Cys (NM_057164.5); c.2047C>T, p.Arg683Cys (NM_057165.5, NM_057167.4); c.844C>T, p.Arg282Cys (NM_057166.5); short protein forms R282C, R683C, R889C, R482C.
Identifiers: ClinVar variation 898089 (VCV000898089.12), dbSNP rs201327438, ClinGen allele CA2189348.